The following is an entry in ClinVar:

NM_003873.7(NRP1):c.1552G>A (p.Gly518Arg)

Gene: NRP1 (neuropilin 1; minus strand). Cytogenetic location: 10p11.22.
Variant type: single nucleotide variant.
Coding change: c.1552G>A on transcript NM_003873.7 (MANE Select); coding-DNA position 1552, G replaced by A.
Protein change: p.Gly518Arg; replaces glycine 518 with arginine.
Molecular consequence: missense variant. On other transcripts: non-coding transcript variant (1).
Genome position (GRCh38, 1-based): chr10:33,213,448, C>T on the plus strand (G>A on the coding strand, the complement: NRP1 is on the minus strand). VCF-style: chr10-33213448-C-T. GRCh37 (hg19) VCF-style: chr10-33502376-C-T.
Other names: c.1552G>A, p.Gly518Arg (NM_001024628.3, NM_001024629.3, NM_001244972.2 and 2 more transcripts); short protein forms G518R.
Identifiers: ClinVar variation 2493020 (VCV002493020.4), dbSNP rs769982693, ClinGen allele CA5466624.

ClinVar aggregate classification (germline): Uncertain significance. Review status: criteria provided, single submitter (1 of 4 stars). 2 submissions from 2 submitters: Uncertain significance (1). 1 of the submissions does not count toward it. Last evaluated 2025-10-18.

Conditions:
NRP1-related disorder. Also called: NRP1-related condition.

Allele frequency attached by ClinVar (database versions not stated): gnomAD exomes 0.00001; TOPMed 0.00001; ExAC 0.00003; gnomAD 0.00001.
gnomAD v4.1: 26 of 1,613,914 alleles (0.0016%); highest among the groups gnomAD compares: Middle Eastern, 0.049%; no homozygotes.

Submissions (2):

Ambry Genetics
Classification: Uncertain significance. Last evaluated: 2025-10-18. Review status: criteria provided, single submitter. Criteria: Ambry Variant Classification Scheme 2023. Collection method: clinical testing. Allele origin: germline.

PreventionGenetics, part of Exact Sciences
Classification: Uncertain significance for NRP1-related condition. Last evaluated: 2024-05-31. Review status: no assertion criteria provided. Collection method: clinical testing. Allele origin: germline. Not counted in ClinVar's aggregate classification.
Comment: The NRP1 c.1552G>A variant is predicted to result in the amino acid substitution p.Gly518Arg. To our knowledge, this variant has not been reported in the literature. This variant is reported in 0.026% of alleles in individuals of South Asian descent in gnomAD. At this time, the clinical significance of this variant is uncertain due to the absence of conclusive functional and genetic evidence.